The following is an entry in ClinVar:

ClinVar aggregate classification (germline): Likely benign (0 of 4 stars; one submission).

Conditions:
POLR3C-related disorder. Also called: POLR3C-related condition.

Allele frequency attached by ClinVar (database versions not stated): gnomAD exomes 0.00008; ExAC 0.00026; ESP Exome Variant Server 0.00085; gnomAD 0.00091; TOPMed 0.00094; 1000 Genomes Project 0.00140; 1000 Genomes Project 30x 0.00141.
gnomAD v4.1: 263 of 1,609,334 alleles (0.016%); highest among the groups gnomAD compares: African/African-American, 0.32%; no homozygotes.

Submission:

PreventionGenetics, part of Exact Sciences
Classification: Likely benign for POLR3C-related condition. Last evaluated: 2023-10-18. Review status: no assertion criteria provided. Collection method: clinical testing. Allele origin: germline.
Comment: This variant is classified as likely benign based on ACMG/AMP sequence variant interpretation guidelines (Richards et al. 2015 PMID: 25741868, with internal and published modifications).

NM_006468.8(POLR3C):c.575A>C (p.Lys192Thr)

Gene: POLR3C (RNA polymerase III subunit C; plus strand). Cytogenetic location: 1q21.1.
Variant type: single nucleotide variant.
Coding change: c.575A>C on transcript NM_006468.8 (MANE Select); coding-DNA position 575, A replaced by C.
Protein change: p.Lys192Thr; replaces lysine 192 with threonine.
Molecular consequence: missense variant.
Genome position (GRCh38, 1-based): chr1:145,826,991, A>C. VCF-style: chr1-145826991-A-C. GRCh37 (hg19) VCF-style: chr1-145608122-T-G.
Other names: c.614A>C, p.Lys205Thr (NM_001303456.1); short protein forms K192T, K205T.
Identifiers: ClinVar variation 3043483 (VCV003043483.2), dbSNP rs139560249, ClinGen allele CA1059074.